The following is an entry in ClinVar:

ClinVar aggregate classification (germline): Likely pathogenic. Review status: criteria provided, multiple submitters, no conflicts (2 of 4 stars). 4 submissions from 4 submitters: Likely pathogenic (3). 1 of the submissions does not count toward it. Last evaluated 2026-03-02.

Conditions:
Hereditary intrinsic factor deficiency (IFD). Also called: PERNICIOUS ANEMIA, CONGENITAL, DUE TO DEFECT OF INTRINSIC FACTOR; Congenital intrinsic factor deficiency. Identifiers: Orphanet 332, MedGen C2062370, MONDO:0009852, OMIM 261000.

Allele frequency attached by ClinVar (database versions not stated): gnomAD 0.00008; TOPMed 0.00011.

Submissions (4):

GeneDx
Classification: Likely pathogenic. Last evaluated: 2026-03-02. Review status: criteria provided, single submitter. Criteria: GeneDx Variant Classification Process June 2021. Collection method: clinical testing. Allele origin: germline.
Comment: In silico analysis supports that this missense variant has a deleterious effect on protein structure/function; This variant is associated with the following publications: (PMID: 34426522, 22929189, 15738392)

Labcorp Genetics (formerly Invitae), Labcorp
Classification: Likely pathogenic for Hereditary intrinsic factor deficiency. Last evaluated: 2025-10-11. Review status: criteria provided, single submitter. Criteria: Invitae Variant Classification Sherloc (09022015). Collection method: clinical testing. Allele origin: germline.
Comment: This sequence change replaces serine, which is neutral and polar, with leucine, which is neutral and non-polar, at codon 46 of the GIF protein (p.Ser46Leu). This variant is present in population databases (rs121434322, gnomAD 0.1%). This missense change has been observed in individual(s) with intrinsic factor deficiency (PMID: 22929189). In at least one individual the data is consistent with being in trans (on the opposite chromosome) from a pathogenic variant. ClinVar contains an entry for this variant (Variation ID: 1746). Invitae Evidence Modeling of protein sequence and biophysical properties (such as structural, functional, and spatial information, amino acid conservation, physicochemical variation, residue mobility, and thermodynamic stability) has been performed for this missense variant. However, the output from this modeling did not meet the statistical confidence thresholds required to predict the impact of this variant on GIF protein function. In summary, the currently available evidence indicates that the variant is pathogenic, but additional data are needed to prove that conclusively. Therefore, this variant has been classified as Likely Pathogenic.

Laboratory for Molecular Medicine, Mass General Brigham Personalized Medicine
Classification: Likely pathogenic for Hereditary intrinsic factor deficiency. Last evaluated: 2023-07-26. Review status: criteria provided, single submitter. Criteria: ACMG Guidelines, 2015. Collection method: clinical testing. Allele origin: germline. Inheritance: Autosomal recessive inheritance.
Comment: The p.Ser46Leu variant in CBLIF (previously known as GIF) has been reported in 1 compound heterozygous and 2 homozygous individuals with congenital intrinsic factor deficiency and segregated with disease in 3 affected relatives from 1 family (Tanner 2005 PMID: 15738392, Tanner 2012 PMID: 22929189). The p.Ser46Leu variant has been identified in 0.01% (2/15272) of Latino/Admixed (as well as other populations) chromosomes by gnomAD, v3.1.2. It has also been reported in ClinVar (Variation ID 1746). Computational prediction tools and conservation analyses do not provide strong support for or against an impact to the protein. In summary, although additional studies are required to fully establish its clinical significance, the p.Ser46Leu variant is likely pathogenic for autosomal recessive congenital intrinsic factor deficiency. ACMG/AMP Criteria applied: PM3_strong, PP1_Moderate, PM2_Supporting.

OMIM
Classification: Pathogenic for INTRINSIC FACTOR DEFICIENCY. Last evaluated: 2005-03-15. Review status: no assertion criteria provided. Collection method: literature only. Allele origin: germline. Not counted in ClinVar's aggregate classification.

Literature cited by the submitters: PubMed 22929189 (cited by Labcorp Genetics (formerly Invitae), Labcorp and Laboratory for Molecular Medicine, Mass General Brigham Personalized Medicine); PubMed 15738392 (cited by Laboratory for Molecular Medicine, Mass General Brigham Personalized Medicine and OMIM).

NM_005142.3(CBLIF):c.137C>T (p.Ser46Leu)

Gene: CBLIF (cobalamin binding intrinsic factor; minus strand). Cytogenetic location: 11q12.1.
Variant type: single nucleotide variant.
Coding change: c.137C>T on transcript NM_005142.3 (MANE Select); coding-DNA position 137, C replaced by T.
Protein change: p.Ser46Leu; replaces serine 46 with leucine.
Molecular consequence: missense variant.
Genome position (GRCh38, 1-based): chr11:59,843,998, G>A on the plus strand (C>T on the coding strand, the complement: CBLIF is on the minus strand). VCF-style: chr11-59843998-G-A. GRCh37 (hg19) VCF-style: chr11-59611471-G-A.
Other names: short protein forms S46L.
Identifiers: ClinVar variation 1746 (VCV000001746.14), dbSNP rs121434322, ClinGen allele CA115169.